The following is an entry in ClinVar:

NM_014003.4(DHX38):c.314G>A (p.Arg105Gln)

Gene: DHX38 (DEAH-box helicase 38; plus strand). Cytogenetic location: 16q22.2.
Variant type: single nucleotide variant.
Coding change: c.314G>A on transcript NM_014003.4 (MANE Select); coding-DNA position 314, G replaced by A.
Protein change: p.Arg105Gln; replaces arginine 105 with glutamine.
Molecular consequence: missense variant.
Genome position (GRCh38, 1-based): chr16:72,096,471, G>A. VCF-style: chr16-72096471-G-A. GRCh37 (hg19) VCF-style: chr16-72130370-G-A.
Other names: c.314G>A (NM_014003.3); short protein forms R105Q.
Identifiers: ClinVar variation 1021252 (VCV001021252.6), dbSNP rs762921890, ClinGen allele CA8159908.

ClinVar aggregate classification (germline): Uncertain significance. Review status: criteria provided, multiple submitters, no conflicts (2 of 4 stars). 3 submissions from 3 submitters: Uncertain significance (3). Last evaluated 2025-04-28.

Allele frequency attached by ClinVar (database versions not stated): TOPMed 0.00005.
gnomAD v4.1: 28 of 1,611,786 alleles (0.0017%); highest among the groups gnomAD compares: Admixed American, 0.018%; no homozygotes.

Submissions (3):

Labcorp Genetics (formerly Invitae), Labcorp
Classification: Uncertain significance. Last evaluated: 2025-04-28. Review status: criteria provided, single submitter. Criteria: Invitae Variant Classification Sherloc (09022015). Collection method: clinical testing. Allele origin: germline.
Comment: This sequence change replaces arginine, which is basic and polar, with glutamine, which is neutral and polar, at codon 105 of the DHX38 protein (p.Arg105Gln). This variant is present in population databases (rs762921890, gnomAD 0.02%). This variant has not been reported in the literature in individuals affected with DHX38-related conditions. ClinVar contains an entry for this variant (Variation ID: 1021252). An algorithm developed to predict the effect of missense changes on protein structure and function (PolyPhen-2) suggests that this variant is likely to be tolerated. In summary, the available evidence is currently insufficient to determine the role of this variant in disease. Therefore, it has been classified as a Variant of Uncertain Significance.

Ambry Genetics
Classification: Uncertain significance. Last evaluated: 2024-05-29. Review status: criteria provided, single submitter. Criteria: Ambry Variant Classification Scheme 2023. Collection method: clinical testing. Allele origin: germline.

Blueprint Genetics
Classification: Uncertain significance. Last evaluated: 2024-03-21. Review status: criteria provided, single submitter. Criteria: ACMG Guidelines, 2015. Collection method: clinical testing. Allele origin: germline.